The following is an entry in ClinVar:

NM_031433.4(MFRP):c.1414G>A (p.Glu472Lys)

Genes: C1QTNF5 (C1q and TNF related 5; minus strand), MFRP (membrane frizzled-related protein; minus strand). Cytogenetic location: 11q23.3.
Variant type: single nucleotide variant.
Coding change: c.1414G>A on transcript NM_031433.4 (MANE Select); coding-DNA position 1414, G replaced by A.
Protein change: p.Glu472Lys; replaces glutamic acid 472 with lysine.
Molecular consequence: missense variant. On other transcripts: 5 prime UTR variant (1).
Genome position (GRCh38, 1-based): chr11:119,341,958, C>T on the plus strand (G>A on the coding strand, the complement: MFRP is on the minus strand). VCF-style: chr11-119341958-C-T. GRCh37 (hg19) VCF-style: chr11-119212668-C-T.
Other names: c.-1223G>A (NM_015645.5); short protein forms E472K.
Identifiers: ClinVar variation 962853 (VCV000962853.8), dbSNP rs779751512, ClinGen allele CA229675234.

ClinVar aggregate classification (germline): Uncertain significance (1 of 4 stars; one submission).

Conditions:
Isolated microphthalmia 5. Also called: Posterior Microphthalmia with Retinitis Pigmentosa, Foveoschisis, and Optic Disc Drusen. Identifiers: Orphanet 251279, MedGen C1970236, MONDO:0012605, OMIM 611040.

Allele frequency attached by ClinVar (database versions not stated): gnomAD exomes below 0.00001 and 0.00004; TOPMed 0.00001; gnomAD 0.00001.
gnomAD v4.1: 56 of 1,613,782 alleles (0.0035%); highest among the groups gnomAD compares: Non-Finnish European, 0.0047%; no homozygotes.

Submission:

Labcorp Genetics (formerly Invitae), Labcorp
Classification: Uncertain significance for Isolated microphthalmia 5. Last evaluated: 2022-02-09. Review status: criteria provided, single submitter. Criteria: Invitae Variant Classification Sherloc (09022015). Collection method: clinical testing. Allele origin: germline.
Comment: This sequence change replaces glutamic acid, which is acidic and polar, with lysine, which is basic and polar, at codon 472 of the MFRP protein (p.Glu472Lys). This variant is present in population databases (rs779751512, gnomAD 0.0009%). This variant has not been reported in the literature in individuals affected with MFRP-related conditions. ClinVar contains an entry for this variant (Variation ID: 962853). Algorithms developed to predict the effect of missense changes on protein structure and function are either unavailable or do not agree on the potential impact of this missense change (SIFT: "Deleterious"; PolyPhen-2: "Probably Damaging"; Align-GVGD: "Class C0"). Algorithms developed to predict the effect of sequence changes on RNA splicing suggest that this variant may create or strengthen a splice site. In summary, the available evidence is currently insufficient to determine the role of this variant in disease. Therefore, it has been classified as a Variant of Uncertain Significance.